The following is an entry in ClinVar:

ClinVar aggregate classification (germline): Likely benign (0 of 4 stars; one submission).

Conditions:
PCDHA3-related disorder. Also called: PCDHA3-related condition.

Submission:

PreventionGenetics, part of Exact Sciences
Classification: Likely benign for PCDHA3-related condition. Last evaluated: 2019-03-01. Review status: no assertion criteria provided. Collection method: clinical testing. Allele origin: germline.
Comment: This variant is classified as likely benign based on ACMG/AMP sequence variant interpretation guidelines (Richards et al. 2015 PMID: 25741868, with internal and published modifications).

NM_018906.3(PCDHA3):c.526_529del (p.Glu176fs)

Genes: PCDHA@ (protocadherin alpha cluster, complex locus; plus strand), PCDHA1 (protocadherin alpha 1; plus strand), PCDHA2 (protocadherin alpha 2; plus strand), PCDHA3 (protocadherin alpha 3; plus strand). Cytogenetic location: 5q31.3.
Variant type: Deletion.
Coding change: c.526_529del on transcript NM_018906.3 (MANE Select); coding-DNA positions 526 to 529, 4 bases deleted (GAAT; older notation c.526_529delGAAT).
Protein change: p.Glu176fs; shifts the reading frame from glutamic acid 176.
Molecular consequence: frameshift variant. On other transcripts: intron variant (4).
Genome position (GRCh38, 1-based): chr5:140,801,723-140,801,726, GAAT deleted; deleting any 4 consecutive bases within chr5:140,801,722-140,801,726 gives the same sequence; the c. name uses the placement nearest the transcript's 3' end. VCF-style (leftmost placement, unchanged base first): chr5-140801721-CTGAA-C. GRCh37 (hg19) VCF-style: chr5-140181306-CTGAA-C.
Other names: c.526_529del, p.Glu176fs (NM_031497.2); c.2394+13039_2394+13042del (NM_018900.4); c.1602+13831_1602+13834del (NM_031411.3); c.2388+4371_2388+4374del (NM_018905.3); c.2389-3337_2389-3334del (NM_031496.2); short protein forms E176fs.
Identifiers: ClinVar variation 3055470 (VCV003055470.2), dbSNP rs141677026, ClinGen allele CA3446299.